The following is an entry in ClinVar:

NM_032861.4(SERAC1):c.1295C>T (p.Thr432Met)

Gene: SERAC1 (serine active site containing 1; minus strand). Cytogenetic location: 6q25.3.
Variant type: single nucleotide variant.
Coding change: c.1295C>T on transcript NM_032861.4 (MANE Select); coding-DNA position 1295, C replaced by T.
Protein change: p.Thr432Met; replaces threonine 432 with methionine.
Molecular consequence: missense variant. On other transcripts: non-coding transcript variant (1).
Genome position (GRCh38, 1-based): chr6:158,119,042, G>A on the plus strand (C>T on the coding strand, the complement: SERAC1 is on the minus strand). VCF-style: chr6-158119042-G-A. GRCh37 (hg19) VCF-style: chr6-158540074-G-A.
Other names: c.1295C>T (NM_032861.3); short protein forms T432M.
Identifiers: ClinVar variation 1051419 (VCV001051419.11), dbSNP rs780982964, ClinGen allele CA4071148.

ClinVar aggregate classification (germline): Uncertain significance. Review status: criteria provided, multiple submitters, no conflicts (2 of 4 stars). 2 submissions from 2 submitters: Uncertain significance (2). Last evaluated 2026-07-30.

Conditions:
3-methylglutaconic aciduria with deafness, encephalopathy, and Leigh-like syndrome (MEGDEL). Also called: 3-METHYLGLUTACONIC ACIDURIA, TYPE VI; SERAC1 Deficiency; MEGDEL syndrome. Identifiers: Orphanet 352328, MedGen C4040739, MONDO:0013875, OMIM 614739.

Allele frequency attached by ClinVar (database versions not stated): ExAC 0.00002; gnomAD 0.00002 and 0.00001; gnomAD exomes 0.00001 and 0.00002; TOPMed 0.00001.
gnomAD v4.1: 19 of 1,612,928 alleles (0.0012%); highest among the groups gnomAD compares: South Asian, 0.011%; no homozygotes.

Submissions (2):

GeneDx
Classification: Uncertain significance. Last evaluated: 2026-07-30. Review status: criteria provided, single submitter. Criteria: GeneDx Variant Classification Process June 2021. Collection method: clinical testing. Allele origin: germline.
Comment: Has not been previously published as pathogenic or benign to our knowledge; Not observed at significant frequency in large population cohorts (gnomAD); In silico analysis suggests that this missense variant does not alter protein structure/function

Labcorp Genetics (formerly Invitae), Labcorp
Classification: Uncertain significance for 3-methylglutaconic aciduria with deafness, encephalopathy, and Leigh-like syndrome. Last evaluated: 2020-12-27. Review status: criteria provided, single submitter. Criteria: Invitae Variant Classification Sherloc (09022015). Collection method: clinical testing. Allele origin: germline.
Comment: In summary, the available evidence is currently insufficient to determine the role of this variant in disease. Therefore, it has been classified as a Variant of Uncertain Significance. Algorithms developed to predict the effect of missense changes on protein structure and function do not agree on the potential impact of this missense change (SIFT: "Tolerated"; PolyPhen-2: "Possibly Damaging"; Align-GVGD: "Class C0"). This variant has not been reported in the literature in individuals with SERAC1-related disease. The frequency data for this variant in the population databases is considered unreliable, as metrics indicate poor data quality at this position in the ExAC database. This sequence change replaces threonine with methionine at codon 432 of the SERAC1 protein (p.Thr432Met). The threonine residue is moderately conserved and there is a moderate physicochemical difference between threonine and methionine.